The following is an entry in ClinVar:

NM_004183.4(BEST1):c.655A>C (p.Thr219Pro)

Gene: BEST1 (bestrophin 1; plus strand). Cytogenetic location: 11q12.3.
Variant type: single nucleotide variant.
Coding change: c.655A>C on transcript NM_004183.4 (MANE Select); coding-DNA position 655, A replaced by C.
Protein change: p.Thr219Pro; replaces threonine 219 with proline.
Molecular consequence: missense variant. On other transcripts: non-coding transcript variant (1).
Genome position (GRCh38, 1-based): chr11:61,957,405, A>C. VCF-style: chr11-61957405-A-C. GRCh37 (hg19) VCF-style: chr11-61724877-A-C.
Other names: c.475A>C, p.Thr159Pro (NM_001139443.3, NM_001300786.2, NM_001300787.2); c.337A>C, p.Thr113Pro (NM_001363591.3); c.655A>C, p.Thr219Pro (NM_001363592.2); c.-521A>C (NM_001363593.3); short protein forms T113P, T159P, T219P.
Identifiers: ClinVar variation 2846391 (VCV002846391.3), dbSNP rs1941495803, ClinGen allele CA380838429.

ClinVar aggregate classification (germline): Uncertain significance (1 of 4 stars; one submission).

Allele frequency attached by ClinVar (database versions not stated): TOPMed below 0.00001.

Submission:

Labcorp Genetics (formerly Invitae), Labcorp
Classification: Uncertain significance. Last evaluated: 2023-09-06. Review status: criteria provided, single submitter. Criteria: Invitae Variant Classification Sherloc (09022015). Collection method: clinical testing. Allele origin: germline.
Comment: In summary, the available evidence is currently insufficient to determine the role of this variant in disease. Therefore, it has been classified as a Variant of Uncertain Significance. Advanced modeling of protein sequence and biophysical properties (such as structural, functional, and spatial information, amino acid conservation, physicochemical variation, residue mobility, and thermodynamic stability) performed at Invitae indicates that this missense variant is expected to disrupt BEST1 protein function. This variant has not been reported in the literature in individuals affected with BEST1-related conditions. This variant is not present in population databases (gnomAD no frequency). This sequence change replaces threonine, which is neutral and polar, with proline, which is neutral and non-polar, at codon 219 of the BEST1 protein (p.Thr219Pro).